The following is an entry in ClinVar:

NM_001032283.3(TMPO):c.565+2367C>G

Gene: TMPO (thymopoietin; plus strand). Cytogenetic location: 12q23.1.
Variant type: single nucleotide variant.
Coding change: c.565+2367C>G on transcript NM_001032283.3 (MANE Select); 2367 bases into the intron after coding-DNA position 565, C replaced by G.
Molecular consequence: intron variant. On other transcripts: missense variant (1).
Genome position (GRCh38, 1-based): chr12:98,534,205, C>G. VCF-style: chr12-98534205-C-G. GRCh37 (hg19) VCF-style: chr12-98927983-C-G.
Other names: c.1948C>G, p.Arg650Gly (NM_003276.2); c.565+2367C>G (NM_001307975.2, NM_001032284.3); short protein forms R650G.
Identifiers: ClinVar variation 1964574 (VCV001964574.5), dbSNP rs772424658, ClinGen allele CA386154277.
Genomic context (GRCh38, chr12:98,534,205, plus strand): 5'-GAAGCTGCATTTGATGAAGTGAAGATGGCTGCCCATACCATGGGAAATGCCACTGTAGGT[C>G]GTCGATACCTCTGGCTGAAGGATTGCAAAATTAATTTAGCTTCTAAGAATAAGCTGGCTT-3'

ClinVar aggregate classification (germline): Uncertain significance (1 of 4 stars; one submission).

Conditions:
Loeys-Dietz syndrome 2 (LDS2). Also called: AORTIC ANEURYSM, FAMILIAL THORACIC 3; MARFAN SYNDROME, TYPE II; Marfan syndrome, type 2 (formerly); Marfan Syndrome type 2; Marfan like connective tissue disorder; MFS 2. Identifiers: Orphanet 284973, Orphanet 558, MedGen C2674574, MONDO:0012427, OMIM 610168.

gnomAD v4.1: 1 of 1,613,818 alleles (0.000062%); no homozygotes.

Submission:

Labcorp Genetics (formerly Invitae), Labcorp
Classification: Uncertain significance for Loeys-Dietz syndrome 2. Last evaluated: 2022-03-05. Review status: criteria provided, single submitter. Criteria: Invitae Variant Classification Sherloc (09022015). Collection method: clinical testing. Allele origin: germline.
Comment: This sequence change replaces arginine, which is basic and polar, with glycine, which is neutral and non-polar, at codon 650 of the TMPO protein (p.Arg650Gly). This variant is not present in population databases (gnomAD no frequency). This variant has not been reported in the literature in individuals affected with TMPO-related conditions. Algorithms developed to predict the effect of missense changes on protein structure and function are either unavailable or do not agree on the potential impact of this missense change (SIFT: "Deleterious"; PolyPhen-2: "Probably Damaging"; Align-GVGD: "Class C0"). In summary, the available evidence is currently insufficient to determine the role of this variant in disease. Therefore, it has been classified as a Variant of Uncertain Significance.